The following is an entry in ClinVar:

NM_018136.5(ASPM):c.4938dup (p.Gln1647fs)

Gene: ASPM (assembly factor for spindle microtubules; minus strand). Cytogenetic location: 1q31.3.
Variant type: Duplication.
Coding change: c.4938dup on transcript NM_018136.5 (MANE Select); coding-DNA position 4938, one base duplicated (G; older notation c.4938dupG).
Protein change: p.Gln1647fs; shifts the reading frame from glutamine 1647.
Molecular consequence: frameshift variant. On other transcripts: intron variant (1).
Genome position (GRCh38, 1-based): chr1:197,104,313, C duplicated on the plus strand (G on the coding strand, the reverse complement: ASPM is on the minus strand). VCF-style (leftmost placement, unchanged base first): chr1-197104312-G-GC. GRCh37 (hg19) VCF-style: chr1-197073442-G-GC.
Other names: c.4066-8149dup (NM_001206846.2); short protein forms Q1647fs.
Identifiers: ClinVar variation 1705292 (VCV001705292.1), dbSNP rs2527303681, ClinGen allele CA2580061892.

ClinVar aggregate classification (germline): Likely pathogenic (1 of 4 stars; one submission).

Conditions:
Microcephaly 5, primary, autosomal recessive (MCPH5). Also called: ASPM Primary Microcephaly. Identifiers: Orphanet 2512, MedGen C1837501, MONDO:0012106, OMIM 608716.

Submission:

3billion
Classification: Likely pathogenic for Microcephaly 5, primary, autosomal recessive. Last evaluated: 2022-09-01. Review status: criteria provided, single submitter. Criteria: ACMG Guidelines, 2015. Collection method: clinical testing. Allele origin: germline. Affected: yes. Observed: 1 heterozygote.
Comment: The variant is not observed in the gnomAD v2.1.1 dataset. It is predicted to result in a loss or disruption of normal protein function through nonsense-mediated decay (NMD) or protein truncation. Multiple pathogenic variants are reported downstream of the variant. Therefore, this variant is classified as Likely pathogenic according to the recommendation of ACMG/AMP guideline.